The following is an entry in ClinVar:

NM_000117.3(EMD):c.229C>T (p.Pro77Ser)

Gene: EMD (emerin; plus strand). Cytogenetic location: Xq28.
Variant type: single nucleotide variant.
Coding change: c.229C>T on transcript NM_000117.3 (MANE Select); coding-DNA position 229, C replaced by T.
Protein change: p.Pro77Ser; replaces proline 77 with serine.
Molecular consequence: missense variant.
Genome position (GRCh38, 1-based): chrX:154,379,983, C>T. VCF-style: chrX-154379983-C-T. GRCh37 (hg19) VCF-style: chrX-153608343-C-T.
Other names: short protein forms P77S.
Identifiers: ClinVar variation 435058 (VCV000435058.14), dbSNP rs1557182365, ClinGen allele CA415257679.

ClinVar aggregate classification (germline): Uncertain significance. Review status: criteria provided, multiple submitters, no conflicts (2 of 4 stars). 2 submissions from 2 submitters: Uncertain significance (2). Last evaluated 2020-10-15.

Conditions:
X-linked Emery-Dreifuss muscular dystrophy. Also called: Muscular dystrophy, tardive Emery-Dreifuss type, with contractures. Identifiers: Orphanet 261, Orphanet 98863, MedGen C0751337, MONDO:0010680.

Allele frequency attached by ClinVar (database versions not stated): gnomAD exomes below 0.00001.
gnomAD v4.1: 4 of 1,211,639 alleles (0.00033%); highest among the groups gnomAD compares: Non-Finnish European, 0.00045%; no homozygotes.

Submissions (2):

Labcorp Genetics (formerly Invitae), Labcorp
Classification: Uncertain significance for X-linked Emery-Dreifuss muscular dystrophy. Last evaluated: 2020-10-15. Review status: criteria provided, single submitter. Criteria: Invitae Variant Classification Sherloc (09022015). Collection method: clinical testing. Allele origin: germline.
Comment: This sequence change replaces proline with serine at codon 77 of the EMD protein (p.Pro77Ser). The proline residue is highly conserved and there is a moderate physicochemical difference between proline and serine. This variant is not present in population databases (ExAC no frequency). This variant has not been reported in the literature in individuals with EMD-related conditions. ClinVar contains an entry for this variant (Variation ID: 435058). Algorithms developed to predict the effect of missense changes on protein structure and function are either unavailable or do not agree on the potential impact of this missense change (SIFT: "Tolerated"; PolyPhen-2: "Probably Damaging"; Align-GVGD: "Class C0"). In summary, the available evidence is currently insufficient to determine the role of this variant in disease. Therefore, it has been classified as a Variant of Uncertain Significance.

Genetic Services Laboratory, University of Chicago
Classification: Uncertain significance. Last evaluated: 2016-05-05. Review status: criteria provided, single submitter. Criteria: ACMG Guidelines, 2015. Collection method: clinical testing. Allele origin: germline. Affected: no.